The following is an entry in ClinVar:

NM_004006.3(DMD):c.3479dup (p.Ser1161fs)

Gene: DMD (dystrophin; minus strand). Cytogenetic location: Xp21.1.
Variant type: Duplication.
Coding change: c.3479dup on transcript NM_004006.3 (MANE Select); coding-DNA position 3479, one base duplicated (T; older notation c.3479dupT).
Protein change: p.Ser1161fs; shifts the reading frame from serine 1161.
Molecular consequence: frameshift variant.
Genome position (GRCh38, 1-based): chrX:32,454,786, A duplicated on the plus strand (T on the coding strand, the reverse complement: DMD is on the minus strand). VCF-style (leftmost placement, unchanged base first): chrX-32454785-T-TA. GRCh37 (hg19) VCF-style: chrX-32472902-T-TA.
Other names: c.3455dup, p.Ser1153fs (NM_000109.4); c.3467dup, p.Ser1157fs (NM_004009.3); c.3110dup, p.Ser1038fs (NM_004010.3); short protein forms S1038fs, S1153fs, S1157fs, S1161fs.
Identifiers: ClinVar variation 2499127 (VCV002499127.28), dbSNP rs2524369262, ClinGen allele CA2580100699.

ClinVar aggregate classification (germline): Pathogenic (1 of 4 stars; one submission).

Submission:

CeGaT Center for Human Genetics Tuebingen
Classification: Pathogenic. Last evaluated: 2023-02-01. Review status: criteria provided, single submitter. Criteria: CeGaT Center For Human Genetics Tuebingen Variant Classification Criteria Version 2. Collection method: clinical testing. Allele origin: germline. Affected: yes. Observed: 1 variant allele.
Comment: DMD: PVS1, PM2